The following is an entry in ClinVar:

NM_001277115.2(DNAH11):c.11999C>T (p.Thr4000Ile)

Gene: DNAH11 (dynein axonemal heavy chain 11; plus strand). Cytogenetic location: 7p15.3.
Variant type: single nucleotide variant.
Coding change: c.11999C>T on transcript NM_001277115.2 (MANE Select); coding-DNA position 11999, C replaced by T.
Protein change: p.Thr4000Ile; replaces threonine 4000 with isoleucine.
Molecular consequence: missense variant.
Genome position (GRCh38, 1-based): chr7:21,873,305, C>T. VCF-style: chr7-21873305-C-T. GRCh37 (hg19) VCF-style: chr7-21912923-C-T.
Other names: short protein forms T4000I.
Identifiers: ClinVar variation 1426868 (VCV001426868.8), dbSNP rs1783570244, ClinGen allele CA366962998.

ClinVar aggregate classification (germline): Uncertain significance (1 of 4 stars; one submission).

Conditions:
Primary ciliary dyskinesia. Also called: Ciliary dyskinesia. Identifiers: Orphanet 244, MedGen C0008780, MONDO:0016575, HP:0012265.

gnomAD v4.1: 1 of 1,603,520 alleles (0.000062%); highest among the groups gnomAD compares: Non-Finnish European, 0.000085%; no homozygotes.

Submission:

Labcorp Genetics (formerly Invitae), Labcorp
Classification: Uncertain significance for Primary ciliary dyskinesia. Last evaluated: 2022-07-30. Review status: criteria provided, single submitter. Criteria: Invitae Variant Classification Sherloc (09022015). Collection method: clinical testing. Allele origin: germline.
Comment: This sequence change replaces threonine, which is neutral and polar, with isoleucine, which is neutral and non-polar, at codon 4000 of the DNAH11 protein (p.Thr4000Ile). This variant is not present in population databases (gnomAD no frequency). This variant has not been reported in the literature in individuals affected with DNAH11-related conditions. ClinVar contains an entry for this variant (Variation ID: 1426868). Advanced modeling of protein sequence and biophysical properties (such as structural, functional, and spatial information, amino acid conservation, physicochemical variation, residue mobility, and thermodynamic stability) performed at Invitae indicates that this missense variant is not expected to disrupt DNAH11 protein function. In summary, the available evidence is currently insufficient to determine the role of this variant in disease. Therefore, it has been classified as a Variant of Uncertain Significance.